The following is an entry in ClinVar:

NM_000199.5(SGSH):c.1076C>T (p.Ala359Val)

Gene: SGSH (N-sulfoglucosamine sulfohydrolase; minus strand). Cytogenetic location: 17q25.3.
Variant type: single nucleotide variant.
Coding change: c.1076C>T on transcript NM_000199.5 (MANE Select); coding-DNA position 1076, C replaced by T.
Protein change: p.Ala359Val; replaces alanine 359 with valine.
Molecular consequence: missense variant. On other transcripts: 3 prime UTR variant (2), non-coding transcript variant (1).
Genome position (GRCh38, 1-based): chr17:80,210,885, G>A on the plus strand (C>T on the coding strand, the complement: SGSH is on the minus strand). VCF-style: chr17-80210885-G-A. GRCh37 (hg19) VCF-style: chr17-78184684-G-A.
Other names: p.Ala359Val; c.*163C>T (NM_001352921.3); c.*126C>T (NM_001352922.2); short protein forms A359V.
Identifiers: ClinVar variation 325834 (VCV000325834.14), dbSNP rs202150579, ClinGen allele CA8817680.

ClinVar aggregate classification (germline): Uncertain significance. Review status: criteria provided, multiple submitters, no conflicts (2 of 4 stars). 9 submissions from 9 submitters: Uncertain significance (8). 1 of the submissions does not count toward it. Last evaluated 2024-11-22.

Conditions:
Mucopolysaccharidosis, MPS-III-A (MPS3A). Also called: MUCOPOLYSACCHARIDOSIS, TYPE IIIA, ATTENUATED; Mucopolysaccharidosis type IIIA (Sanfilippo A); mucopolysaccharidosis type 3A; MPS IIIA (Sanfilippo Syndrome Type A); MPS III A; HEPARAN SULFATE SULFATASE DEFICIENCY. Identifiers: Orphanet 581, Orphanet 79269, MedGen C0086647, MONDO:0009655, OMIM 252900.
Inborn genetic diseases. Identifiers: MedGen C0950123, MeSH D030342.

Allele frequency attached by ClinVar (database versions not stated): ExAC 0.00008; gnomAD exomes 0.00003 and 0.00008; ESP Exome Variant Server 0.00023; gnomAD 0.00021 and 0.00020; TOPMed 0.00022; 1000 Genomes Project 0.00040; 1000 Genomes Project 30x 0.00047.
gnomAD v4.1: 79 of 1,612,762 alleles (0.0049%); highest among the groups gnomAD compares: African/African-American, 0.073%; no homozygotes.

Submissions (9):

Blueprint Genetics
Classification: Uncertain significance. Last evaluated: 2024-11-22. Review status: criteria provided, single submitter. Criteria: ACMG Guidelines, 2015. Collection method: clinical testing. Allele origin: germline.

Mayo Clinic Laboratories, Mayo Clinic
Classification: Uncertain significance. Last evaluated: 2022-09-27. Review status: criteria provided, single submitter. Criteria: ACMG Guidelines, 2015. Collection method: clinical testing. Allele origin: germline. Observed: 1 variant allele.
Comment: BP4

Labcorp Genetics (formerly Invitae), Labcorp
Classification: Uncertain significance for Mucopolysaccharidosis, MPS-III-A. Last evaluated: 2022-08-31. Review status: criteria provided, single submitter. Criteria: Invitae Variant Classification Sherloc (09022015). Collection method: clinical testing. Allele origin: germline.
Comment: This sequence change replaces alanine, which is neutral and non-polar, with valine, which is neutral and non-polar, at codon 359 of the SGSH protein (p.Ala359Val). This variant is present in population databases (rs202150579, gnomAD 0.09%). This variant has not been reported in the literature in individuals affected with SGSH-related conditions. ClinVar contains an entry for this variant (Variation ID: 325834). Algorithms developed to predict the effect of missense changes on protein structure and function (SIFT, PolyPhen-2, Align-GVGD) all suggest that this variant is likely to be tolerated. In summary, the available evidence is currently insufficient to determine the role of this variant in disease. Therefore, it has been classified as a Variant of Uncertain Significance.

Genome-Nilou Lab
Classification: Uncertain significance for Mucopolysaccharidosis, MPS-III-A. Last evaluated: 2021-11-07. Review status: criteria provided, single submitter. Criteria: ACMG Guidelines, 2015. Collection method: clinical testing. Allele origin: germline. Affected: no.

Ambry Genetics
Classification: Uncertain significance for Inborn genetic diseases. Last evaluated: 2021-07-16. Review status: criteria provided, single submitter. Criteria: Ambry Variant Classification Scheme 2023. Collection method: clinical testing. Allele origin: germline.

Laboratory of Molecular Genetics (Pr. Bezieau's lab), CHU de Nantes
Classification: Uncertain significance. Last evaluated: 2019-01-15. Review status: criteria provided, single submitter. Criteria: ACMG Guidelines, 2015. Collection method: clinical testing. Allele origin: germline. Affected: yes.

Illumina Laboratory Services, Illumina
Classification: Uncertain significance for Mucopolysaccharidosis, MPS-III-A. Last evaluated: 2018-01-13. Review status: criteria provided, single submitter. Criteria: ICSL Variant Classification Criteria 13 December 2019. Collection method: clinical testing. Allele origin: germline.

Breakthrough Genomics
Classification: Uncertain significance. Review status: criteria provided, single submitter. Criteria: ACMG Guidelines, 2015. Collection method: not provided. Allele origin: germline. Inheritance: Autosomal recessive inheritance. Affected: yes.

Natera, Inc.
Classification: Uncertain significance for Mucopolysaccharidosis type IIIA. Last evaluated: 2020-09-16. Review status: no assertion criteria provided. Collection method: clinical testing. Allele origin: germline. Not counted in ClinVar's aggregate classification.